The following is an entry in ClinVar:

NM_000238.4(KCNH2):c.1870A>G (p.Ser624Gly)

Gene: KCNH2 (potassium voltage-gated channel subfamily H member 2; minus strand). Cytogenetic location: 7q36.1.
Variant type: single nucleotide variant.
Coding change: c.1870A>G on transcript NM_000238.4 (MANE Select); coding-DNA position 1870, A replaced by G.
Protein change: p.Ser624Gly; replaces serine 624 with glycine.
Molecular consequence: missense variant. On other transcripts: non-coding transcript variant (2).
Genome position (GRCh38, 1-based): chr7:150,951,523, T>C on the plus strand (A>G on the coding strand, the complement: KCNH2 is on the minus strand). VCF-style: chr7-150951523-T-C. GRCh37 (hg19) VCF-style: chr7-150648611-T-C.
Other names: c.850A>G, p.Ser284Gly (NM_001204798.2, NM_172057.3); c.1582A>G, p.Ser528Gly (NM_001406753.1, NM_001406756.1); c.1693A>G, p.Ser565Gly (NM_001406755.1); c.1570A>G, p.Ser524Gly (NM_001406757.1); c.1870A>G, p.Ser624Gly (NM_172056.3); short protein forms S528G, S624G, S284G, S524G, S565G.
Identifiers: ClinVar variation 3663276 (VCV003663276.2).

ClinVar aggregate classification (germline): Uncertain significance (1 of 4 stars; one submission).

Conditions:
Long QT syndrome (LQTS). Identifiers: MedGen C0023976, MeSH D008133, MONDO:0002442. Disease mechanism: loss of function. Inheritance: Various modes of inheritance.

Submission:

Labcorp Genetics (formerly Invitae), Labcorp
Classification: Uncertain significance for Long QT syndrome. Last evaluated: 2024-08-22. Review status: criteria provided, single submitter. Criteria: Invitae Variant Classification Sherloc (09022015). Collection method: clinical testing. Allele origin: germline.
Comment: This sequence change replaces serine, which is neutral and polar, with glycine, which is neutral and non-polar, at codon 624 of the KCNH2 protein (p.Ser624Gly). This variant is not present in population databases (gnomAD no frequency). This variant has not been reported in the literature in individuals affected with KCNH2-related conditions. An algorithm developed to predict the effect of missense changes on protein structure and function (PolyPhen-2) suggests that this variant is likely to be disruptive. In summary, the available evidence is currently insufficient to determine the role of this variant in disease. Therefore, it has been classified as a Variant of Uncertain Significance.